The following is an entry in ClinVar:

ClinVar aggregate classification (germline): Uncertain significance (1 of 4 stars; one submission).

Allele frequency attached by ClinVar (database versions not stated): gnomAD exomes below 0.00001; ExAC 0.00001; gnomAD 0.00001; 1000 Genomes Project 30x 0.00016; 1000 Genomes Project 0.00020.
gnomAD v4.1: 4 of 1,611,588 alleles (0.00025%); highest among the groups gnomAD compares: African/African-American, 0.0027%; no homozygotes.

Submission:

Labcorp Genetics (formerly Invitae), Labcorp
Classification: Uncertain significance. Last evaluated: 2022-11-12. Review status: criteria provided, single submitter. Criteria: Invitae Variant Classification Sherloc (09022015). Collection method: clinical testing. Allele origin: germline.
Comment: In summary, the available evidence is currently insufficient to determine the role of this variant in disease. Therefore, it has been classified as a Variant of Uncertain Significance. Variants that disrupt the consensus splice site are a relatively common cause of aberrant splicing (PMID: 17576681, 9536098). Algorithms developed to predict the effect of sequence changes on RNA splicing suggest that this variant is not likely to affect RNA splicing. This variant has not been reported in the literature in individuals affected with SLC1A3-related conditions. This variant is present in population databases (rs528412871, gnomAD 0.007%). This sequence change falls in intron 8 of the SLC1A3 gene. It does not directly change the encoded amino acid sequence of the SLC1A3 protein. It affects a nucleotide within the consensus splice site.

Literature cited by the submitters: PubMed 17576681; PubMed 9536098.

NM_004172.5(SLC1A3):c.1289+5A>G

Genes: SLC1A3 (solute carrier family 1 member 3; plus strand), SLC1A3-AS1 (SLC1A3 antisense RNA 1; minus strand). Cytogenetic location: 5p13.2.
Variant type: single nucleotide variant.
Coding change: c.1289+5A>G on transcript NM_004172.5 (MANE Select); 5 bases into the intron after coding-DNA position 1289, A replaced by G.
Molecular consequence: intron variant.
Genome position (GRCh38, 1-based): chr5:36,680,594, A>G. VCF-style: chr5-36680594-A-G. GRCh37 (hg19) VCF-style: chr5-36680696-A-G.
Other names: c.1289+5A>G (NM_001166695.3); c.953+5A>G (NM_001289940.2); c.1151+5A>G (NM_001289939.2).
Identifiers: ClinVar variation 3009737 (VCV003009737.3), dbSNP rs528412871, ClinGen allele CA3235637.
Genomic context (GRCh38, chr5:36,680,594, plus strand): 5'-TTCATTGCTCAAGTTAACAACTTTGAACTGAACTTCGGACAAATTATTACAATCAGGTAC[A>G]AGGAAAGAGTTCTATACACCCTTTCTTAAGAATGCCTTTAAGGCTGGGCGTGGTGGCTCA-3'